The following is an entry in ClinVar:

ClinVar aggregate classification (germline): Uncertain significance (1 of 4 stars; one submission).

Allele frequency attached by ClinVar (database versions not stated): gnomAD exomes below 0.00001 and 0.00001; ExAC 0.00001.
gnomAD v4.1: 18 of 1,610,426 alleles (0.0011%); highest among the groups gnomAD compares: Non-Finnish European, 0.0015%; no homozygotes.

Submission:

Labcorp Genetics (formerly Invitae), Labcorp
Classification: Uncertain significance. Last evaluated: 2022-07-05. Review status: criteria provided, single submitter. Criteria: Invitae Variant Classification Sherloc (09022015). Collection method: clinical testing. Allele origin: germline.
Comment: This sequence change replaces alanine, which is neutral and non-polar, with threonine, which is neutral and polar, at codon 199 of the ABCA4 protein (p.Ala199Thr). This variant is present in population databases (rs746039623, gnomAD 0.0009%). This variant has not been reported in the literature in individuals affected with ABCA4-related conditions. ClinVar contains an entry for this variant (Variation ID: 1052009). Advanced modeling of protein sequence and biophysical properties (such as structural, functional, and spatial information, amino acid conservation, physicochemical variation, residue mobility, and thermodynamic stability) performed at Invitae indicates that this missense variant is not expected to disrupt ABCA4 protein function. In summary, the available evidence is currently insufficient to determine the role of this variant in disease. Therefore, it has been classified as a Variant of Uncertain Significance.

NM_000350.3(ABCA4):c.595G>A (p.Ala199Thr)

Gene: ABCA4 (ATP binding cassette subfamily A member 4; minus strand). Cytogenetic location: 1p22.1.
Variant type: single nucleotide variant.
Coding change: c.595G>A on transcript NM_000350.3 (MANE Select); coding-DNA position 595, G replaced by A.
Protein change: p.Ala199Thr; replaces alanine 199 with threonine.
Molecular consequence: missense variant.
Genome position (GRCh38, 1-based): chr1:94,098,967, C>T on the plus strand (G>A on the coding strand, the complement: ABCA4 is on the minus strand). VCF-style: chr1-94098967-C-T. GRCh37 (hg19) VCF-style: chr1-94564523-C-T.
Other names: c.595G>A, p.Ala199Thr (NM_001425324.1); short protein forms A199T.
Identifiers: ClinVar variation 1052009 (VCV001052009.6), dbSNP rs746039623, ClinGen allele CA958790.